The following is an entry in ClinVar:

NM_007194.4(CHEK2):c.589A>G (p.Lys197Glu)

Gene: CHEK2 (checkpoint kinase 2; minus strand). Cytogenetic location: 22q12.1.
Variant type: single nucleotide variant.
Coding change: c.589A>G on transcript NM_007194.4 (MANE Select); coding-DNA position 589, A replaced by G.
Protein change: p.Lys197Glu; replaces lysine 197 with glutamic acid.
Molecular consequence: missense variant. On other transcripts: 5 prime UTR variant (2), intron variant (1).
Genome position (GRCh38, 1-based): chr22:28,724,980, T>C on the plus strand (A>G on the coding strand, the complement: CHEK2 is on the minus strand). VCF-style: chr22-28724980-T-C. GRCh37 (hg19) VCF-style: chr22-29120968-T-C.
Other names: c.718A>G, p.Lys240Glu (NM_001005735.3, NM_001438294.1); c.-189A>G (NM_001257387.3); c.-75A>G (NM_001437942.1); c.682A>G, p.Lys228Glu (NM_001438293.1, NM_001438295.1); c.589A>G, p.Lys197Glu (NM_145862.3); c.445-57A>G (NM_001349956.3); short protein forms K197E, K240E, K228E.
Identifiers: ClinVar variation 918286 (VCV000918286.13), dbSNP rs2053936071, ClinGen allele CA411106924.

ClinVar aggregate classification (germline): Uncertain significance. Review status: criteria provided, multiple submitters, no conflicts (2 of 4 stars). 3 submissions from 3 submitters: Uncertain significance (3). Last evaluated 2024-03-06.

Conditions:
Familial cancer of breast. Also called: BREAST CANCER, FAMILIAL; Hereditary breast cancer; hereditary breast carcinoma. Identifiers: Orphanet 227535, MedGen C0346153, MONDO:0016419, OMIM 114480. Disease mechanism: loss of function.
Hereditary cancer-predisposing syndrome. Also called: Neoplastic Syndromes, Hereditary; Tumor predisposition; Hereditary Cancer Syndrome; Hereditary neoplastic syndrome. Identifiers: Orphanet 140162, MedGen C0027672, MeSH D009386, MONDO:0015356.

Submissions (3):

Color Diagnostics, LLC DBA Color Health
Classification: Uncertain significance for Hereditary cancer-predisposing syndrome. Last evaluated: 2024-03-06. Review status: criteria provided, single submitter. Criteria: ACMG Guidelines, 2015. Collection method: clinical testing. Allele origin: germline.
Comment: This missense variant replaces lysine with glutamic acid at codon 197 of the CHEK2 protein. Computational prediction is inconclusive regarding the impact of this variant on protein structure and function (internally defined REVEL score threshold 0.5 < inconclusive < 0.7, PMID: 27666373). Splice site prediction tools suggest that this variant may not impact RNA splicing. To our knowledge, functional studies have not been performed for this variant. This variant has not been reported in individuals affected with hereditary cancer in the literature. This variant has not been identified in the general population by the Genome Aggregation Database (gnomAD). The available evidence is insufficient to determine the role of this variant in disease conclusively. Therefore, this variant is classified as a Variant of Uncertain Significance.

GeneDx
Classification: Uncertain significance. Last evaluated: 2023-12-28. Review status: criteria provided, single submitter. Criteria: GeneDx Variant Classification Process June 2021. Collection method: clinical testing. Allele origin: germline. Affected: yes.
Comment: Not observed at significant frequency in large population cohorts (gnomAD); In silico analysis supports that this missense variant has a deleterious effect on protein structure/function; Has not been previously published as pathogenic or benign to our knowledge; This variant is associated with the following publications: (PMID: 19782031, 22419737)

Labcorp Genetics (formerly Invitae), Labcorp
Classification: Uncertain significance for Familial cancer of breast. Last evaluated: 2023-06-27. Review status: criteria provided, single submitter. Criteria: Invitae Variant Classification Sherloc (09022015). Collection method: clinical testing. Allele origin: germline.
Comment: This sequence change replaces lysine, which is basic and polar, with glutamic acid, which is acidic and polar, at codon 197 of the CHEK2 protein (p.Lys197Glu). This variant is not present in population databases (gnomAD no frequency). This variant has not been reported in the literature in individuals affected with CHEK2-related conditions. ClinVar contains an entry for this variant (Variation ID: 918286). An algorithm developed to predict the effect of missense changes on protein structure and function (PolyPhen-2) suggests that this variant is likely to be disruptive. In summary, the available evidence is currently insufficient to determine the role of this variant in disease. Therefore, it has been classified as a Variant of Uncertain Significance.